The following is an entry in ClinVar:

NM_153240.5(NPHP3):c.713del (p.Gly238fs)

Genes: NPHP3 (nephrocystin 3; minus strand), NPHP3-ACAD11 (NPHP3-ACAD11 readthrough (NMD candidate); minus strand). Cytogenetic location: 3q22.1.
Variant type: Deletion.
Coding change: c.713del on transcript NM_153240.5 (MANE Select); coding-DNA position 713, one base deleted (G; older notation c.713delG).
Protein change: p.Gly238fs; shifts the reading frame from glycine 238.
Molecular consequence: frameshift variant. On other transcripts: non-coding transcript variant (1).
Genome position (GRCh38, 1-based): chr3:132,716,867, C deleted on the plus strand (G on the coding strand, the reverse complement: NPHP3 is on the minus strand); the first of 3 consecutive C bases (chr3:132,716,867-132,716,869); deleting any one gives the same sequence. VCF-style (leftmost placement, unchanged base first): chr3-132716866-TC-T. GRCh37 (hg19) VCF-style: chr3-132435710-TC-T.
Other names: short protein forms G238fs.
Identifiers: ClinVar variation 4732444 (VCV004732444.1).

ClinVar aggregate classification (germline): Pathogenic (1 of 4 stars; one submission).

Conditions:
Nephronophthisis. Also called: Juvenile Nephronophthisis. Identifiers: Orphanet 655, MedGen C0687120, MONDO:0019005, HP:0000090.

Submission:

Labcorp Genetics (formerly Invitae), Labcorp
Classification: Pathogenic for Nephronophthisis. Last evaluated: 2025-12-08. Review status: criteria provided, single submitter. Criteria: Invitae Variant Classification Sherloc (09022015). Collection method: clinical testing. Allele origin: germline.
Comment: This sequence change creates a premature translational stop signal (p.Gly238Glufs*6) in the NPHP3 gene. It is expected to result in an absent or disrupted protein product. Loss-of-function variants in NPHP3 are known to be pathogenic (PMID: 18371931, 23559409). The frequency data for this variant in the population databases is considered unreliable, as metrics indicate poor data quality at this position in the gnomAD database. This variant has not been reported in the literature in individuals affected with NPHP3-related conditions. For these reasons, this variant has been classified as Pathogenic.

Literature cited by the submitters: PubMed 18371931; PubMed 23559409.